The following is an entry in ClinVar:

ClinVar aggregate classification (germline): Uncertain significance (1 of 4 stars; one submission).

Conditions:
Charcot-Marie-Tooth disease axonal type 2O. Also called: Charcot-Marie-Tooth disease, axonal, type 20; CHARCOT-MARIE-TOOTH NEUROPATHY, AXONAL, TYPE 2O; CHARCOT-MARIE-TOOTH DISEASE, AXONAL, AUTOSOMAL DOMINANT, TYPE 2O; Charcot-Marie-Tooth Neuropathy Type 2O. Identifiers: Orphanet 284232, MedGen C3280220, MONDO:0013644, OMIM 614228.

gnomAD v4.1: 1 of 1,614,244 alleles (0.000062%); highest among the groups gnomAD compares: Non-Finnish European, 0.000085%; no homozygotes.

Submission:

Labcorp Genetics (formerly Invitae), Labcorp
Classification: Uncertain significance for Charcot-Marie-Tooth disease axonal type 2O. Last evaluated: 2024-11-05. Review status: criteria provided, single submitter. Criteria: Invitae Variant Classification Sherloc (09022015). Collection method: clinical testing. Allele origin: germline.
Comment: This sequence change replaces isoleucine, which is neutral and non-polar, with valine, which is neutral and non-polar, at codon 2861 of the DYNC1H1 protein (p.Ile2861Val). This variant is not present in population databases (gnomAD no frequency). This variant has not been reported in the literature in individuals affected with DYNC1H1-related conditions. ClinVar contains an entry for this variant (Variation ID: 1441672). Invitae Evidence Modeling of protein sequence and biophysical properties (such as structural, functional, and spatial information, amino acid conservation, physicochemical variation, residue mobility, and thermodynamic stability) indicates that this missense variant is not expected to disrupt DYNC1H1 protein function with a negative predictive value of 95%. In summary, the available evidence is currently insufficient to determine the role of this variant in disease. Therefore, it has been classified as a Variant of Uncertain Significance.

NM_001376.5(DYNC1H1):c.8581A>G (p.Ile2861Val)

Gene: DYNC1H1 (dynein cytoplasmic 1 heavy chain 1; plus strand). Cytogenetic location: 14q32.31.
Variant type: single nucleotide variant.
Coding change: c.8581A>G on transcript NM_001376.5 (MANE Select); coding-DNA position 8581, A replaced by G.
Protein change: p.Ile2861Val; replaces isoleucine 2861 with valine.
Molecular consequence: missense variant.
Genome position (GRCh38, 1-based): chr14:102,022,824, A>G. VCF-style: chr14-102022824-A-G. GRCh37 (hg19) VCF-style: chr14-102489161-A-G.
Other names: short protein forms I2861V.
Identifiers: ClinVar variation 1441672 (VCV001441672.6), dbSNP rs2152586413, ClinGen allele CA391007156.